The following is an entry in ClinVar:

ClinVar aggregate classification (germline): Uncertain significance (1 of 4 stars; one submission).

Conditions:
Intellectual developmental disorder, autosomal recessive 43. Also called: Intellectual disability, autosomal recessive 43. Identifiers: Orphanet 88616, MedGen C4014386, MONDO:0014354, OMIM 615817.

Allele frequency attached by ClinVar (database versions not stated): ExAC 0.00001; gnomAD 0.00001; gnomAD exomes below 0.00001; TOPMed 0.00001.
gnomAD v4.1: 7 of 1,610,754 alleles (0.00043%); highest among the groups gnomAD compares: South Asian, 0.0033%; no homozygotes.

Submission:

Baylor Genetics
Classification: Uncertain significance for Intellectual developmental disorder, autosomal recessive 43. Last evaluated: 2018-02-01. Review status: criteria provided, single submitter. Criteria: ACMG Guidelines, 2015. Collection method: clinical testing. Allele origin: paternal. Affected: yes.
Comment: This variant was determined to be of uncertain significance according to ACMG Guidelines, 2015 [PMID:25741868].

NM_015275.3(WASHC4):c.2767A>G (p.Met923Val)

Gene: WASHC4 (WASH complex subunit 4; plus strand). Cytogenetic location: 12q23.3.
Variant type: single nucleotide variant.
Coding change: c.2767A>G on transcript NM_015275.3 (MANE Select); coding-DNA position 2767, A replaced by G.
Protein change: p.Met923Val; replaces methionine 923 with valine.
Molecular consequence: missense variant.
Genome position (GRCh38, 1-based): chr12:105,156,734, A>G. VCF-style: chr12-105156734-A-G. GRCh37 (hg19) VCF-style: chr12-105550512-A-G.
Other names: c.2770A>G, p.Met924Val (NM_001293640.2); short protein forms M924V, M923V.
Identifiers: ClinVar variation 1032672 (VCV001032672.1), dbSNP rs779313558, ClinGen allele CA6759054.
Genomic context (GRCh38, chr12:105,156,734, plus strand): 5'-AGAATTTAGAGTTATTTATATAAATATCTGATTTTTTTGTGTGGTTTTTAAGGTAATGCT[A>G]TGGGCTATGTACGAATGATAAGATCTGGTGGTCTTCATTGTAGCAGCAATGCCATTAGGT-3'
Protein context (NP_056090.1, residues 913-933): RQLISQIGNA[Met923Val]GYVRMIRSGG